The following is an entry in ClinVar:

ClinVar aggregate classification (germline): Pathogenic (1 of 4 stars; one submission).

Conditions:
Duchenne muscular dystrophy (DMD). Also called: Duchenne Muscular Dystrophy (DMD); MUSCULAR DYSTROPHY, PSEUDOHYPERTROPHIC PROGRESSIVE, DUCHENNE TYPE. Identifiers: Orphanet 98896, MedGen C0013264, MONDO:0010679, OMIM 310200.

Submissions (2):

Labcorp Genetics (formerly Invitae), Labcorp
Classification: Pathogenic for Duchenne muscular dystrophy. Last evaluated: 2019-03-20. Review status: criteria provided, single submitter. Criteria: Invitae Variant Classification Sherloc (09022015). Collection method: clinical testing. Allele origin: germline.
Comment: This sequence change affects a donor splice site in intron 75 of the DMD gene. It is expected to disrupt RNA splicing and likely results in an absent or disrupted protein product. This variant is not present in population databases (ExAC no frequency). Disruption of this splice site has been observed in individuals affected with Duchenne muscular dystrophy (PMID: 29604111, Invitae). Donor and acceptor splice site variants typically lead to a loss of protein function (PMID: 16199547), and loss-of-function variants in DMD are known to be pathogenic (PMID: 16770791, 25007885). For these reasons, this variant has been classified as Pathogenic.

Dr. Peter K. Rogan Lab, Western University
No classification provided (evidence only). Condition: Thyroid cancer, nonmedullary, 1. Review status: no classification provided. Collection method: in vitro. Allele origin: not applicable. Functional consequence: retained intron. Not counted in ClinVar's aggregate classification.

Literature cited by the submitters: PubMed 25007885 (cited by Labcorp Genetics (formerly Invitae), Labcorp); PubMed 16770791 (cited by Labcorp Genetics (formerly Invitae), Labcorp); PubMed 29604111 (cited by Labcorp Genetics (formerly Invitae), Labcorp).

NM_004006.3(DMD):c.10797+2T>A

Gene: DMD (dystrophin; minus strand). Cytogenetic location: Xp21.2.
Variant type: single nucleotide variant.
Coding change: c.10797+2T>A on transcript NM_004006.3 (MANE Select); the canonical splice donor site of the intron after coding-DNA position 10797, T replaced by A.
Molecular consequence: splice donor variant.
Genome position (GRCh38, 1-based): chrX:31,147,273, A>T on the plus strand (T>A on the coding strand, the complement: DMD is on the minus strand). VCF-style: chrX-31147273-A-T. GRCh37 (hg19) VCF-style: chrX-31165390-A-T.
Other names: NC_000023.10:g.31165390A>T; c.10773+2T>A (NM_000109.4); c.6774+2T>A (NM_004011.4); c.6765+2T>A (NM_004012.4); c.3087+2T>A (NM_004023.3, NM_004020.4); c.3378+2T>A (NM_004022.3); c.3417+2T>A (NM_004021.3, NM_004013.3); c.2610+2T>A (NM_004014.3); and 4 more.
Identifiers: ClinVar variation 837336 (VCV000837336.2), dbSNP rs2036834025, ClinGen allele CA412648973.
Genomic context (GRCh38, chrX:31,147,273, plus strand): 5'-AGGTTTAGTTTTGTTTAAGAGGGAAAAATGAATGTTTGTAAAAATCCCATCTCTCTCCTC[A>T]CTTGCTCCAGCAGCTGCCTTAGCCTGTGTAACTGTGACTCCAGCTGTTTATTGTGGTCTT-3'